The following is an entry in ClinVar:

NM_033305.3(VPS13A):c.5930T>A (p.Ile1977Asn)

Gene: VPS13A (vacuolar protein sorting 13 homolog A; plus strand). Cytogenetic location: 9q21.2.
Variant type: single nucleotide variant.
Coding change: c.5930T>A on transcript NM_033305.3 (MANE Select); coding-DNA position 5930, T replaced by A.
Protein change: p.Ile1977Asn; replaces isoleucine 1977 with asparagine.
Molecular consequence: missense variant.
Genome position (GRCh38, 1-based): chr9:77,323,166, T>A. VCF-style: chr9-77323166-T-A. GRCh37 (hg19) VCF-style: chr9-79938082-T-A.
Other names: c.5813T>A, p.Ile1938Asn (NM_001018037.2); c.5930T>A, p.Ile1977Asn (NM_001018038.3, NM_015186.4); short protein forms I1977N, I1938N.
Identifiers: ClinVar variation 3695140 (VCV003695140.2).

ClinVar aggregate classification (germline): Uncertain significance (1 of 4 stars; one submission).

gnomAD v4.1: 2 of 1,613,594 alleles (0.00012%); highest among the groups gnomAD compares: Non-Finnish European, 0.00017%; no homozygotes.

Submission:

Labcorp Genetics (formerly Invitae), Labcorp
Classification: Uncertain significance. Last evaluated: 2024-10-22. Review status: criteria provided, single submitter. Criteria: Invitae Variant Classification Sherloc (09022015). Collection method: clinical testing. Allele origin: germline.
Comment: This sequence change replaces isoleucine, which is neutral and non-polar, with asparagine, which is neutral and polar, at codon 1977 of the VPS13A protein (p.Ile1977Asn). This variant is not present in population databases (gnomAD no frequency). This variant has not been reported in the literature in individuals affected with VPS13A-related conditions. Invitae Evidence Modeling of protein sequence and biophysical properties (such as structural, functional, and spatial information, amino acid conservation, physicochemical variation, residue mobility, and thermodynamic stability) has been performed for this missense variant. However, the output from this modeling did not meet the statistical confidence thresholds required to predict the impact of this variant on VPS13A protein function. In summary, the available evidence is currently insufficient to determine the role of this variant in disease. Therefore, it has been classified as a Variant of Uncertain Significance.